The following is an entry in ClinVar:

ClinVar aggregate classification (germline): Uncertain significance. Review status: criteria provided, multiple submitters, no conflicts (2 of 4 stars). 3 submissions from 3 submitters: Uncertain significance (3). Last evaluated 2025-12-11.

Conditions:
Sucrase-isomaltase deficiency (CSID). Also called: Congenital sucrose isomaltose malabsorption; Sucrose isomaltose enzyme deficiency; SI DEFICIENCY; Deficiency of isomaltase. Identifiers: Orphanet 35122, MedGen C1283620, MONDO:0009114, OMIM 222900.
Inborn genetic diseases. Identifiers: MedGen C0950123, MeSH D030342.

Allele frequency attached by ClinVar (database versions not stated): TOPMed below 0.00001; gnomAD 0.00001; 1000 Genomes Project 0.00020.

Submissions (3):

Ambry Genetics
Classification: Uncertain significance for Inborn genetic diseases. Last evaluated: 2025-12-11. Review status: criteria provided, single submitter. Criteria: Ambry Variant Classification Scheme 2023. Collection method: clinical testing. Allele origin: germline.

Fulgent Genetics
Classification: Uncertain significance for Sucrase-isomaltase deficiency. Last evaluated: 2024-05-04. Review status: criteria provided, single submitter. Criteria: ACMG Guidelines, 2015. Collection method: clinical testing. Allele origin: germline.

Labcorp Genetics (formerly Invitae), Labcorp
Classification: Uncertain significance. Last evaluated: 2022-06-27. Review status: criteria provided, single submitter. Criteria: Invitae Variant Classification Sherloc (09022015). Collection method: clinical testing. Allele origin: germline.
Comment: This sequence change replaces arginine, which is basic and polar, with histidine, which is basic and polar, at codon 1019 of the SI protein (p.Arg1019His). This variant is present in population databases (rs562524905, gnomAD 0.003%). This variant has not been reported in the literature in individuals affected with SI-related conditions. Advanced modeling of protein sequence and biophysical properties (such as structural, functional, and spatial information, amino acid conservation, physicochemical variation, residue mobility, and thermodynamic stability) performed at Invitae indicates that this missense variant is not expected to disrupt SI protein function. In summary, the available evidence is currently insufficient to determine the role of this variant in disease. Therefore, it has been classified as a Variant of Uncertain Significance.

NM_001041.4(SI):c.3056G>A (p.Arg1019His)

Gene: SI (sucrase-isomaltase; minus strand). Cytogenetic location: 3q26.1.
Variant type: single nucleotide variant.
Coding change: c.3056G>A on transcript NM_001041.4 (MANE Select); coding-DNA position 3056, G replaced by A.
Protein change: p.Arg1019His; replaces arginine 1019 with histidine.
Molecular consequence: missense variant.
Genome position (GRCh38, 1-based): chr3:165,023,613, C>T on the plus strand (G>A on the coding strand, the complement: SI is on the minus strand). VCF-style: chr3-165023613-C-T. GRCh37 (hg19) VCF-style: chr3-164741401-C-T.
Other names: c.3056G>A (NM_001041.3); short protein forms R1019H.
Identifiers: ClinVar variation 2156498 (VCV002156498.4), dbSNP rs562524905, ClinGen allele CA2690407.
Genomic context (GRCh38, chr3:165,023,613, plus strand): 5'-GTTTATATCAAGCATACCTTAAACTGCAACATATCATTTTTGTGATATTTCACCTCCACA[C>T]GAAGAGTTGAGATGGGGTCAGAAGGTAACTTTATTCTGGCATTTGCAGTATTTAGTTGGA-3'
Protein context (NP_001032.2, residues 1009-1029): KLPSDPISTL[Arg1019His]VEVKYHKNDM